The following is an entry in ClinVar:

NM_001376.5(DYNC1H1):c.7405G>A (p.Val2469Met)

Gene: DYNC1H1 (dynein cytoplasmic 1 heavy chain 1; plus strand). Cytogenetic location: 14q32.31.
Variant type: single nucleotide variant.
Coding change: c.7405G>A on transcript NM_001376.5 (MANE Select); coding-DNA position 7405, G replaced by A.
Protein change: p.Val2469Met; replaces valine 2469 with methionine.
Molecular consequence: missense variant.
Genome position (GRCh38, 1-based): chr14:102,016,018, G>A. VCF-style: chr14-102016018-G-A. GRCh37 (hg19) VCF-style: chr14-102482355-G-A.
Other names: short protein forms V2469M.
Identifiers: ClinVar variation 1500358 (VCV001500358.7), dbSNP rs2152582047, ClinGen allele CA391002053.

ClinVar aggregate classification (germline): Uncertain significance. Review status: criteria provided, multiple submitters, no conflicts (2 of 4 stars). 2 submissions from 2 submitters: Uncertain significance (2). Last evaluated 2025-09-15.

Conditions:
Charcot-Marie-Tooth disease axonal type 2O. Also called: CHARCOT-MARIE-TOOTH NEUROPATHY, AXONAL, TYPE 2O; CHARCOT-MARIE-TOOTH DISEASE, AXONAL, AUTOSOMAL DOMINANT, TYPE 2O; Charcot-Marie-Tooth Neuropathy Type 2O; Charcot-Marie-Tooth disease, axonal, type 20. Identifiers: Orphanet 284232, MedGen C3280220, MONDO:0013644, OMIM 614228.

gnomAD v4.1: 3 of 1,613,742 alleles (0.00019%); highest among the groups gnomAD compares: Non-Finnish European, 0.00017%; no homozygotes.

Submissions (2):

Women's Health and Genetics/Laboratory Corporation of America, LabCorp
Classification: Uncertain significance. Last evaluated: 2025-09-15. Review status: criteria provided, single submitter. Criteria: LabCorp Variant Classification Summary - May 2015. Collection method: clinical testing. Allele origin: germline.
Comment: Variant summary: DYNC1H1 c.7405G>A (p.Val2469Met) results in a conservative amino acid change in the encoded protein sequence. Algorithms developed to predict the effect of missense changes on protein structure and function are either unavailable or do not agree on the potential impact of this missense change. The variant was absent in 250586 control chromosomes (gnomAD). The available data on variant occurrences in the general population are insufficient to allow any conclusion about variant significance. c.7405G>A has been observed in at least one individual affected with Charcot-Marie-Tooth disease (Volodarsky_2021). The report does not provide unequivocal conclusions about association of the variant with Charcot-Marie-Tooth disease axonal type 2O. To our knowledge, no experimental evidence demonstrating an impact on protein function has been reported. The following publication has been ascertained in the context of this evaluation (PMID: 32376792). ClinVar contains an entry for this variant (Variation ID: 1500358). Based on the evidence outlined above, the variant was classified as uncertain significance.

Labcorp Genetics (formerly Invitae), Labcorp
Classification: Uncertain significance for Charcot-Marie-Tooth disease axonal type 2O. Last evaluated: 2025-03-03. Review status: criteria provided, single submitter. Criteria: Invitae Variant Classification Sherloc (09022015). Collection method: clinical testing. Allele origin: germline.
Comment: This sequence change replaces valine, which is neutral and non-polar, with methionine, which is neutral and non-polar, at codon 2469 of the DYNC1H1 protein (p.Val2469Met). This variant is not present in population databases (gnomAD no frequency). This missense change has been observed in individual(s) with Charcot-Marie-Tooth disease (PMID: 32376792). ClinVar contains an entry for this variant (Variation ID: 1500358). Invitae Evidence Modeling of protein sequence and biophysical properties (such as structural, functional, and spatial information, amino acid conservation, physicochemical variation, residue mobility, and thermodynamic stability) indicates that this missense variant is not expected to disrupt DYNC1H1 protein function with a negative predictive value of 95%. In summary, the available evidence is currently insufficient to determine the role of this variant in disease. Therefore, it has been classified as a Variant of Uncertain Significance.

Literature cited by the submitters: PubMed 32376792 (cited by Women's Health and Genetics/Laboratory Corporation of America, LabCorp and Labcorp Genetics (formerly Invitae), Labcorp).